The following is an entry in ClinVar:

ClinVar aggregate classification (germline): Likely benign (0 of 4 stars; one submission).

Conditions:
AGL-related disorder. Also called: AGL-related condition.

Submission:

PreventionGenetics, part of Exact Sciences
Classification: Likely benign for AGL-related condition. Last evaluated: 2024-02-19. Review status: no assertion criteria provided. Collection method: clinical testing. Allele origin: germline.
Comment: This variant is classified as likely benign based on ACMG/AMP sequence variant interpretation guidelines (Richards et al. 2015 PMID: 25741868, with internal and published modifications).

NM_000642.3(AGL):c.3072G>A (p.Lys1024=)

Gene: AGL (amylo-alpha-1,6-glucosidase and 4-alpha-glucanotransferase; plus strand). Cytogenetic location: 1p21.2.
Variant type: single nucleotide variant.
Coding change: c.3072G>A on transcript NM_000642.3 (MANE Select); coding-DNA position 3072, G replaced by A.
Protein change: p.Lys1024=; no amino-acid change (lysine 1024 retained).
Molecular consequence: synonymous variant.
Genome position (GRCh38, 1-based): chr1:99,891,728, G>A. VCF-style: chr1-99891728-G-A. GRCh37 (hg19) VCF-style: chr1-100357284-G-A.
Other names: c.3072G>A, p.Lys1024= (NM_000028.3, NM_000643.3, NM_000644.3 and 1 more transcripts); c.3024G>A, p.Lys1008= (NM_000646.3); c.3051G>A, p.Lys1017= (NM_001425326.1); c.2871G>A, p.Lys957= (NM_001425327.1); c.2868G>A, p.Lys956= (NM_001425328.1); c.2733G>A, p.Lys911= (NM_001425329.1); c.2694G>A, p.Lys898= (NM_001425332.1).
Identifiers: ClinVar variation 3061304 (VCV003061304.2), dbSNP rs2524725099, ClinGen allele CA419084468.